The following is an entry in ClinVar:

ClinVar aggregate classification (germline): Pathogenic. Review status: reviewed by expert panel (3 of 4 stars). 2 submissions from 2 submitters: Pathogenic (1). 1 of the submissions does not count toward it. Last evaluated 2025-10-12.

Conditions:
Phenylketonuria (PKU). Also called: Phenylketonuria (PKU); FOLLING DISEASE; OLIGOPHRENIA PHENYLPYRUVICA; Phenylketonurias. Identifiers: Orphanet 716, MedGen C0031485, MONDO:0009861, OMIM 261600. Disease mechanism: loss of function.

Submissions (2):

ClinGen PAH Variant Curation Expert Panel
Classification: Pathogenic for Phenylketonuria. Last evaluated: 2025-10-12. Review status: reviewed by expert panel. Criteria: ClinGen PAH ACMG Specifications v1. Collection method: curation. Allele origin: germline. Inheritance: Autosomal recessive inheritance.
Comment: The NM_000277.1(PAH):c.929C>A (p.Ser310Tyr) variant is a missense variant in exon 9/13 in PAH. The variant has been found to result in <1% of wild-type PAH enzyme activity in cDNA and Intinc systems (PMID: 18590700), and has been found to result in high molecular weight aggregates without residual enzyme activity (PMID: 18538294) (PS3_supporting). It has been previously reported in a patient with mild hyperphenylalanemia in trans with p.F55L (Pathogenic/Likely Pathogenic in ClinVar); BH4 deficiency was excluded by analysis of urinary pterins and dihydropteridine reductase activity in erythrocytes (PMID: 12501224) (PM3; PP4_Moderate). The variant is absent from ethnically diverse control databases, including gnomAD/ExAC, 1000 Genomes, and ESP (PM2_supporting). The variant is predicted damaging by multiple in-silico missense predictors, including REVEL (REVEL score 0.991) (PP3_strong). Classification: Pathogenic Supporting Criteria: PS3_supporting; PM2_supporting; PM3; PP4_Moderate; PP3_strong

DeBelle Laboratory for Biochemical Genetics, MUHC/MCH RESEARCH INSTITUTE
No classification provided. Review status: no classification provided. Collection method: not provided. Allele origin: not provided. Not counted in ClinVar's aggregate classification.

Literature cited by the submitters: PubMed 18590700 (cited by ClinGen PAH Variant Curation Expert Panel); PubMed 12501224 (cited by ClinGen PAH Variant Curation Expert Panel).

NM_000277.3(PAH):c.929C>A (p.Ser310Tyr)

Gene: PAH (phenylalanine hydroxylase; minus strand). Cytogenetic location: 12q23.2.
Variant type: single nucleotide variant.
Coding change: c.929C>A on transcript NM_000277.3 (MANE Select); coding-DNA position 929, C replaced by A.
Protein change: p.Ser310Tyr; replaces serine 310 with tyrosine.
Molecular consequence: missense variant.
Genome position (GRCh38, 1-based): chr12:102,846,935, G>T on the plus strand (C>A on the coding strand, the complement: PAH is on the minus strand). VCF-style: chr12-102846935-G-T. GRCh37 (hg19) VCF-style: chr12-103240713-G-T.
Other names: NM_000277.1(PAH):c.929C>A; c.929C>A, p.Ser310Tyr (NM_001354304.2); short protein forms S310Y.
Identifiers: ClinVar variation 102898 (VCV000102898.1), dbSNP rs62642913, ClinGen allele CA229854.